The following is an entry in ClinVar:

ClinVar aggregate classification (germline): Uncertain significance (1 of 4 stars; one submission).

gnomAD v4.1: 33 of 1,613,408 alleles (0.002%); highest among the groups gnomAD compares: Non-Finnish European, 0.0026%; no homozygotes.

Submission:

Labcorp Genetics (formerly Invitae), Labcorp
Classification: Uncertain significance. Last evaluated: 2022-06-23. Review status: criteria provided, single submitter. Criteria: Invitae Variant Classification Sherloc (09022015). Collection method: clinical testing. Allele origin: germline.
Comment: This sequence change replaces threonine, which is neutral and polar, with methionine, which is neutral and non-polar, at codon 1401 of the LTBP2 protein (p.Thr1401Met). This variant is present in population databases (rs760340005, gnomAD 0.007%). This variant has not been reported in the literature in individuals affected with LTBP2-related conditions. Algorithms developed to predict the effect of missense changes on protein structure and function are either unavailable or do not agree on the potential impact of this missense change (SIFT: "Deleterious"; PolyPhen-2: "Possibly Damaging"; Align-GVGD: "Class C0"). In summary, the available evidence is currently insufficient to determine the role of this variant in disease. Therefore, it has been classified as a Variant of Uncertain Significance.

NM_000428.3(LTBP2):c.4202C>T (p.Thr1401Met)

Gene: LTBP2 (latent transforming growth factor beta binding protein 2; minus strand). Cytogenetic location: 14q24.3.
Variant type: single nucleotide variant.
Coding change: c.4202C>T on transcript NM_000428.3 (MANE Select); coding-DNA position 4202, C replaced by T.
Protein change: p.Thr1401Met; replaces threonine 1401 with methionine.
Molecular consequence: missense variant.
Genome position (GRCh38, 1-based): chr14:74,505,150, G>A on the plus strand (C>T on the coding strand, the complement: LTBP2 is on the minus strand). VCF-style: chr14-74505150-G-A. GRCh37 (hg19) VCF-style: chr14-74971853-G-A.
Other names: short protein forms T1401M.
Identifiers: ClinVar variation 1907500 (VCV001907500.2), dbSNP rs760340005, ClinGen allele CA7268831.